The following is an entry in ClinVar:

ClinVar aggregate classification (germline): Conflicting classifications of pathogenicity. Review status: criteria provided, conflicting classifications (1 of 4 stars). 7 submissions from 7 submitters: Uncertain significance (1); Benign (1); Likely benign (4). 1 of the submissions does not count toward it. Last evaluated 2026-07-30.

Conditions:
ERCC5-related disorder. Also called: ERCC5-related condition.
Hereditary cancer-predisposing syndrome. Also called: Neoplastic Syndromes, Hereditary; Tumor predisposition; Hereditary Cancer Syndrome; Hereditary neoplastic syndrome. Identifiers: Orphanet 140162, MedGen C0027672, MeSH D009386, MONDO:0015356.
Xeroderma pigmentosum, group G (XPG). Also called: XERODERMA PIGMENTOSUM VII; XP, GROUP G; ERCC5-Related Xeroderma Pigmentosum; Xeroderma pigmentosum type 7. Identifiers: MedGen C0268141, MONDO:0010216, OMIM 278780.

Allele frequency attached by ClinVar (database versions not stated): gnomAD 0.00001 and 0.00013; TOPMed 0.00005; gnomAD exomes 0.00050; ExAC 0.00054; 1000 Genomes Project 0.00080; 1000 Genomes Project 30x 0.00094.
gnomAD v4.1: 382 of 1,614,034 alleles (0.024%); highest among the groups gnomAD compares: South Asian, 0.36%; 2 homozygotes.

Submissions (7):

PreventionGenetics, part of Exact Sciences
Classification: Likely benign for ERCC5-related condition. Last evaluated: 2026-07-30. Review status: criteria provided, single submitter. Criteria: ACMG Guidelines, 2015. Collection method: clinical testing. Allele origin: germline.
Comment: This variant is classified as likely benign based on ACMG/AMP sequence variant interpretation guidelines (Richards et al. 2015 PMID: 25741868, with internal and published modifications).

Labcorp Genetics (formerly Invitae), Labcorp
Classification: Likely benign. Last evaluated: 2026-01-28. Review status: criteria provided, single submitter. Criteria: Invitae Variant Classification Sherloc (09022015). Collection method: clinical testing. Allele origin: germline.

Dasa
Classification: Benign. Last evaluated: 2025-12-30. Review status: criteria provided, single submitter. Criteria: DASA Assertion Criteria. Collection method: clinical testing. Allele origin: germline.
Comment: NM_000123.4(ERCC5):c.2890C>T (p.Arg964Trp) is a missense variant that results in the substitution of arginine with tryptophan. Population frequency is inconsistent with a disease-causing role for this variant, and observations in unaffected individuals support a benign interpretation. Therefore, based on the currently available evidence, this variant is classified as benign.

Sema4
Classification: Uncertain significance for Hereditary cancer-predisposing syndrome. Last evaluated: 2021-07-26. Review status: criteria provided, single submitter. Criteria: Sema4 Curation Guidelines. Collection method: curation. Allele origin: germline.
Comment: To the best of our knowledge, the ERCC5 c.2890C>T (p.R964W) variant has not been reported in individuals with ERCC5-related disease. It was observed in 115/30616 chromosomes of the South Asian subpopulation, with one homozygote, in the large and broad cohorts of the Genome Aggregation Database (PMID: 32461654). The variant has been reported in ClinVar (Variation ID 134165). Functional studies have not been performed and in silico tool predictions of the variants effect on protein function are inconclusive. The evidence is insufficient to meet ACMG/AMP criteria for classifying the variant as benign or pathogenic. Thus, the clinical significance of this variant is currently uncertain.

GeneDx
Classification: Likely benign. Last evaluated: 2020-11-13. Review status: criteria provided, single submitter. Criteria: GeneDx Variant Classification Process June 2021. Collection method: clinical testing. Allele origin: germline. Affected: yes.
Comment: In silico analysis, which includes protein predictors and evolutionary conservation, supports a deleterious effect; In-silico analysis, which includes splice predictors and evolutionary conservation, is inconclusive as to whether the variant alters gene splicing. In the absence of RNA/functional studies, the actual effect of this sequence change is unknown.; This variant is associated with the following publications: (PMID: 24728327, 28991257, 26344056)

Illumina Laboratory Services, Illumina
Classification: Likely benign for Xeroderma pigmentosum, group G. Last evaluated: 2018-01-13. Review status: criteria provided, single submitter. Criteria: ICSL Variant Classification Criteria 13 December 2019. Collection method: clinical testing. Allele origin: germline.
Comment: This variant was observed in the ICSL laboratory as part of a predisposition screen in an ostensibly healthy population. It had not been previously curated by ICSL or reported in the Human Gene Mutation Database (HGMD: prior to June 1st, 2018), and was therefore a candidate for classification through an automated scoring system. Utilizing variant allele frequency, disease prevalence and penetrance estimates, and inheritance mode, an automated score was calculated to assess if this variant is too frequent to cause the disease. Based on the score and internal cut-off values, a variant classified as likely benign is not then subjected to further curation. The score for this variant resulted in a classification of likely benign for this disease.

ITMI
No classification provided. Condition: AllHighlyPenetrant. Last evaluated: 2013-09-19. Review status: no classification provided. Collection method: reference population. Allele origin: germline. Not counted in ClinVar's aggregate classification.
Comment: Please see associated publication for description of ethnicities

Literature cited by the submitters: PubMed 24728327 (cited by ITMI).

NM_000123.4(ERCC5):c.2890C>T (p.Arg964Trp)

Genes: BIVM-ERCC5 (BIVM-ERCC5 readthrough; plus strand), ERCC5 (ERCC excision repair 5, endonuclease; plus strand). Cytogenetic location: 13q33.1.
Variant type: single nucleotide variant.
Coding change: c.2890C>T on transcript NM_000123.4 (MANE Select); coding-DNA position 2890, C replaced by T.
Protein change: p.Arg964Trp; replaces arginine 964 with tryptophan.
Molecular consequence: missense variant.
Genome position (GRCh38, 1-based): chr13:102,873,269, C>T. VCF-style: chr13-102873269-C-T. GRCh37 (hg19) VCF-style: chr13-103525619-C-T.
Other names: c.4252C>T, p.Arg1418Trp (NM_001204425.2); short protein forms R964W, R1418W.
Identifiers: ClinVar variation 134165 (VCV000134165.15), dbSNP rs574826021, ClinGen allele CA158962.
Genomic context (GRCh38, chr13:102,873,269, plus strand): 5'-CACTTGTTTAAATATCTTTCAAAATATTTATAAGTCTTAACTGCATGCATATTTTGTCAG[C>T]GGTATTTCGGCTGGAACAGAACGAAGACAGATGAATCTCTGTTTCCTGTATTAAAGCAAC-3'
Protein context (NP_000114.3, residues 954-974): DLDKIREFCQ[Arg964Trp]YFGWNRTKTD